The following is an entry in ClinVar:

ClinVar aggregate classification (germline): Uncertain significance. Review status: criteria provided, multiple submitters, no conflicts (2 of 4 stars). 2 submissions from 2 submitters: Uncertain significance (2). Last evaluated 2021-03-30.

Allele frequency attached by ClinVar (database versions not stated): ExAC below 0.00001; TOPMed 0.00002; gnomAD 0.00004; 1000 Genomes Project 30x 0.00016; 1000 Genomes Project 0.00020.
gnomAD v4.1: 91 of 1,523,276 alleles (0.006%); highest among the groups gnomAD compares: Middle Eastern, 0.046%; no homozygotes.

Submissions (2):

Center for Genomics, Ann and Robert H. Lurie Children's Hospital of Chicago
Classification: Uncertain significance. Last evaluated: 2021-03-30. Review status: criteria provided, single submitter. Criteria: ACMG Guidelines, 2015. Collection method: clinical testing. Allele origin: germline.
Comment: GARS NM_002047.2 c.-31C>A: This variant has not been reported in the literature but is present in 0.007% (4/50308) of European alleles in the Genome Aggregation Database. This variant is present in ClinVar (Variation ID:426829). Evolutionary conservation and computational predictive tools for this variant are limited or unavailable. Of note, this variant occurs in the 5' UTR; detailed knowledge and data for variants occuring in this region is limited. Further studies are needed to understand the effect of variants in this region. In summary, data on this variant is insufficient for disease classification. Therefore, the clinical significance of this variant is uncertain.

GeneDx
Classification: Uncertain significance. Last evaluated: 2017-03-31. Review status: criteria provided, single submitter. Criteria: GeneDx Variant Classification (06012015). Collection method: clinical testing. Allele origin: germline. Affected: yes.
Comment: The c.-31 C>A variant has not been published as a pathogenic variant, nor has it been reported as a benign variant to our knowledge. The c.-31 C>A variant is observed in 1/1006 (0.1%) alleles from individuals of European background, in the 1000 Genomes Project (1000 Genomes Consortium et al., 2015) The c.-31 C>A substitution occurs at a position that is conserved across species. In-silico splice prediction models predict that c.-31 C>A does not affect normal gene splicing. Furthermore, this variant does not create a new ATG initiation codon nor does it affect the Kozak sequence, and c.-31 C>A is located in a region of the GARS protein that tolerates variation and lacks pathogenic variants. However, in the absence of RNA/functional studies, the actual effect of this sequence change in this individual is unknown. In summary, based on the currently available information, it is unclear whether this variant is a pathogenic variant or a rare benign variant.

NM_002047.4(GARS1):c.-31C>A

Gene: GARS1 (glycyl-tRNA synthetase 1; plus strand). Cytogenetic location: 7p14.3.
Variant type: single nucleotide variant.
Coding change: c.-31C>A on transcript NM_002047.4 (MANE Select); 31 bases upstream of the start codon, C replaced by A.
Molecular consequence: 5 prime UTR variant.
Genome position (GRCh38, 1-based): chr7:30,594,891, C>A. VCF-style: chr7-30594891-C-A. GRCh37 (hg19) VCF-style: chr7-30634507-C-A.
Other names: c.-31C>A (LRG_243t1); c.-193C>A (NM_001316772.1).
Identifiers: ClinVar variation 426829 (VCV000426829.3), dbSNP rs549993976, ClinGen allele CA4205546.